The following is an entry in ClinVar:

ClinVar aggregate classification (germline): Uncertain significance (1 of 4 stars; one submission).

Conditions:
Autosomal recessive limb-girdle muscular dystrophy type 2A (LGMDR1). Also called: Limb-girdle muscular dystrophy, type 2A; Calpainopathy; LEYDEN-MOEBIUS MUSCULAR DYSTROPHY; MUSCULAR DYSTROPHY, PELVOFEMORAL; Muscular dystrophy, limb-girdle, type 2A, Amish. Identifiers: Orphanet 267, MedGen C1869123, MONDO:0009675, OMIM 253600. Disease mechanism: loss of function.

Allele frequency attached by ClinVar (database versions not stated): ExAC 0.00001; gnomAD 0.00001; gnomAD exomes 0.00001; TOPMed 0.00002.
gnomAD v4.1: 14 of 1,613,194 alleles (0.00087%); highest among the groups gnomAD compares: Admixed American, 0.0067%; no homozygotes.

Submission:

Labcorp Genetics (formerly Invitae), Labcorp
Classification: Uncertain significance for Autosomal recessive limb-girdle muscular dystrophy type 2A. Last evaluated: 2022-05-25. Review status: criteria provided, single submitter. Criteria: Invitae Variant Classification Sherloc (09022015). Collection method: clinical testing. Allele origin: germline.
Comment: This sequence change falls in intron 7 of the CAPN3 gene. It does not directly change the encoded amino acid sequence of the CAPN3 protein. It affects a nucleotide within the consensus splice site. This variant is present in population databases (rs759057214, gnomAD 0.02%). This variant has not been reported in the literature in individuals affected with CAPN3-related conditions. Variants that disrupt the consensus splice site are a relatively common cause of aberrant splicing (PMID: 17576681, 9536098). Algorithms developed to predict the effect of sequence changes on RNA splicing suggest that this variant may disrupt the consensus splice site. In summary, the available evidence is currently insufficient to determine the role of this variant in disease. Therefore, it has been classified as a Variant of Uncertain Significance.

Literature cited by the submitters: PubMed 17576681; PubMed 9536098.

NM_000070.3(CAPN3):c.1029+4A>G

Gene: CAPN3 (calpain 3; plus strand). Cytogenetic location: 15q15.1.
Variant type: single nucleotide variant.
Coding change: c.1029+4A>G on transcript NM_000070.3 (MANE Select); 4 bases into the intron after coding-DNA position 1029, A replaced by G.
Molecular consequence: intron variant.
Genome position (GRCh38, 1-based): chr15:42,392,726, A>G. VCF-style: chr15-42392726-A-G. GRCh37 (hg19) VCF-style: chr15-42684924-A-G.
Other names: c.1029+4A>G (NM_024344.2); c.885+4A>G (NM_173087.2).
Identifiers: ClinVar variation 1977680 (VCV001977680.2), dbSNP rs759057214, ClinGen allele CA7511223.